The following is an entry in ClinVar:

ClinVar aggregate classification (germline): Pathogenic (1 of 4 stars; one submission).

Submission:

Labcorp Genetics (formerly Invitae), Labcorp
Classification: Pathogenic. Last evaluated: 2023-11-29. Review status: criteria provided, single submitter. Criteria: Invitae Variant Classification Sherloc (09022015). Collection method: clinical testing. Allele origin: germline.
Comment: This sequence change creates a premature translational stop signal (p.Ala56Profs*41) in the SLC5A5 gene. It is expected to result in an absent or disrupted protein product. Loss-of-function variants in SLC5A5 are known to be pathogenic (PMID: 9388506, 9486973). This variant is not present in population databases (gnomAD no frequency). This variant has not been reported in the literature in individuals affected with SLC5A5-related conditions. For these reasons, this variant has been classified as Pathogenic.

Literature cited by the submitters: PubMed 9388506; PubMed 9486973.

NM_000453.3(SLC5A5):c.166del (p.Ala56fs)

Gene: SLC5A5 (solute carrier family 5 member 5; plus strand). Cytogenetic location: 19p13.11.
Variant type: Deletion.
Coding change: c.166del on transcript NM_000453.3 (MANE Select); coding-DNA position 166, one base deleted (G; older notation c.166delG).
Protein change: p.Ala56fs; shifts the reading frame from alanine 56.
Molecular consequence: frameshift variant.
Genome position (GRCh38, 1-based): chr19:17,872,485, G deleted; the last of 2 consecutive G bases (chr19:17,872,484-17,872,485); deleting either gives the same sequence. VCF-style (leftmost placement, unchanged base first): chr19-17872483-CG-C. GRCh37 (hg19) VCF-style: chr19-17983292-CG-C.
Other names: short protein forms A56fs.
Identifiers: ClinVar variation 2797661 (VCV002797661.3), dbSNP rs2514611636, ClinGen allele CA2583431804.